The following is an entry in ClinVar:

ClinVar aggregate classification (germline): Pathogenic. Review status: criteria provided, single submitter (1 of 4 stars). 2 submissions from 2 submitters: Pathogenic (1). 1 of the submissions does not count toward it. Last evaluated 2023-11-05.

Conditions:
Xeroderma pigmentosum, group C (XPC). Also called: Xeroderma pigmentosum, complementation group C; XPC-Related Xeroderma Pigmentosum; XERODERMA PIGMENTOSUM III; XP, GROUP C. Identifiers: Orphanet 910, MedGen C2752147, MONDO:0010211, OMIM 278720.

Submissions (2):

Labcorp Genetics (formerly Invitae), Labcorp
Classification: Pathogenic. Last evaluated: 2023-11-05. Review status: criteria provided, single submitter. Criteria: Invitae Variant Classification Sherloc (09022015). Collection method: clinical testing. Allele origin: germline.
Comment: This sequence change affects an acceptor splice site in intron 12 of the XPC gene. It is expected to disrupt RNA splicing. Variants that disrupt the donor or acceptor splice site typically lead to a loss of protein function (PMID: 16199547), and loss-of-function variants in XPC are known to be pathogenic (PMID: 23173980, 25256075). This variant is not present in population databases (gnomAD no frequency). Disruption of this splice site has been observed in individuals with xeroderma pigmentosum (PMID: 21482201). ClinVar contains an entry for this variant (Variation ID: 558243). Algorithms developed to predict the effect of sequence changes on RNA splicing suggest that this variant may disrupt the consensus splice site. For these reasons, this variant has been classified as Pathogenic.

Counsyl
Classification: Likely pathogenic for Xeroderma pigmentosum, group C. Last evaluated: 2018-05-08. Review status: no assertion criteria provided. Collection method: clinical testing. Allele origin: unknown. Not counted in ClinVar's aggregate classification.

Literature cited by the submitters: PubMed 16199547 (cited by Labcorp Genetics (formerly Invitae), Labcorp); PubMed 23173980 (cited by Labcorp Genetics (formerly Invitae), Labcorp); PubMed 25256075 (cited by Labcorp Genetics (formerly Invitae), Labcorp); PubMed 21482201 (cited by Labcorp Genetics (formerly Invitae), Labcorp).

NM_004628.5(XPC):c.2251-2A>G

Gene: XPC (XPC complex subunit, DNA damage recognition and repair factor; minus strand). Cytogenetic location: 3p25.1.
Variant type: single nucleotide variant.
Coding change: c.2251-2A>G on transcript NM_004628.5 (MANE Select); the canonical splice acceptor site of the intron before coding-DNA position 2251, A replaced by G.
Molecular consequence: splice acceptor variant.
Genome position (GRCh38, 1-based): chr3:14,148,733, T>C on the plus strand (A>G on the coding strand, the complement: XPC is on the minus strand). VCF-style: chr3-14148733-T-C. GRCh37 (hg19) VCF-style: chr3-14190233-T-C.
Other names: c.2233-2A>G (NM_001354729.2); c.1672-2A>G (NM_001354726.2); c.2005-2A>G (NM_001354730.2); c.2245-2A>G (NM_001354727.2).
Identifiers: ClinVar variation 558243 (VCV000558243.5), dbSNP rs1553604570, ClinGen allele CA351538002.